The following is an entry in ClinVar:

NM_015192.4(PLCB1):c.673A>C (p.Ile225Leu)

Gene: PLCB1 (phospholipase C beta 1; plus strand). Cytogenetic location: 20p12.3.
Variant type: single nucleotide variant.
Coding change: c.673A>C on transcript NM_015192.4 (MANE Select); coding-DNA position 673, A replaced by C.
Protein change: p.Ile225Leu; replaces isoleucine 225 with leucine.
Molecular consequence: missense variant.
Genome position (GRCh38, 1-based): chr20:8,657,262, A>C. VCF-style: chr20-8657262-A-C. GRCh37 (hg19) VCF-style: chr20-8637909-A-C.
Other names: c.673A>C, p.Ile225Leu (NM_182734.3); short protein forms I225L.
Identifiers: ClinVar variation 966960 (VCV000966960.8), dbSNP rs1989488581, ClinGen allele CA408263966.

ClinVar aggregate classification (germline): Uncertain significance (1 of 4 stars; one submission).

Conditions:
Developmental and epileptic encephalopathy, 12 (DEE12). Identifiers: MedGen C3150988, MONDO:0013389, OMIM 613722.

Submission:

Labcorp Genetics (formerly Invitae), Labcorp
Classification: Uncertain significance for Developmental and epileptic encephalopathy, 12. Last evaluated: 2019-10-03. Review status: criteria provided, single submitter. Criteria: Invitae Variant Classification Sherloc (09022015). Collection method: clinical testing. Allele origin: germline.
Comment: In summary, the available evidence is currently insufficient to determine the role of this variant in disease. Therefore, it has been classified as a Variant of Uncertain Significance. Algorithms developed to predict the effect of missense changes on protein structure and function (SIFT, PolyPhen-2, Align-GVGD) all suggest that this variant is likely to be tolerated, but these predictions have not been confirmed by published functional studies and their clinical significance is uncertain. This variant has not been reported in the literature in individuals with PLCB1-related conditions. This variant is not present in population databases (ExAC no frequency). This sequence change replaces isoleucine with leucine at codon 225 of the PLCB1 protein (p.Ile225Leu). The isoleucine residue is moderately conserved and there is a small physicochemical difference between isoleucine and leucine.